The following is an entry in ClinVar:

NM_014336.5(AIPL1):c.365G>A (p.Gly122Glu)

Gene: AIPL1 (AIP like 1 HSP90 co-chaperone; minus strand). Cytogenetic location: 17p13.2.
Variant type: single nucleotide variant.
Coding change: c.365G>A on transcript NM_014336.5 (MANE Select); coding-DNA position 365, G replaced by A.
Protein change: p.Gly122Glu; replaces glycine 122 with glutamic acid.
Molecular consequence: missense variant. On other transcripts: intron variant (1).
Genome position (GRCh38, 1-based): chr17:6,428,418, C>T on the plus strand (G>A on the coding strand, the complement: AIPL1 is on the minus strand). VCF-style: chr17-6428418-C-T. GRCh37 (hg19) VCF-style: chr17-6331738-C-T.
Other names: c.185G>A, p.Gly62Glu (NM_001033055.3); c.329G>A, p.Gly110Glu (NM_001285399.3); c.299G>A, p.Gly100Glu (NM_001285400.3); c.365G>A, p.Gly122Glu (NM_001285401.3, NM_001285403.4); c.248G>A, p.Gly83Glu (NM_001285402.2); c.277-1361G>A (NM_001033054.3); short protein forms G100E, G110E, G122E, G62E, G83E.
Identifiers: ClinVar variation 4536735 (VCV004536735.1).
Genomic context (GRCh38, chr17:6,428,418, plus strand): 5'-TTCTGCAGCTCGTCCAGGTCCTCGTAGCCCAGCGTGTGGTAGGCGAACATGTTGGCCAGC[C>T]CGCACGTGTGCACGTGCCACTCTGTGGGGTCCTTGCCCTGGGCCATCTGCCTCAGGCTCC-3'
Protein context (NP_055151.3, residues 112-132): DPTEWHVHTC[Gly122Glu]LANMFAYHTL

ClinVar aggregate classification (germline): Uncertain significance (1 of 4 stars; one submission).

gnomAD v4.1: 1 of 1,613,534 alleles (0.000062%); highest among the groups gnomAD compares: African/African-American, 0.0013%; no homozygotes.

Submission:

Women's Health and Genetics/Laboratory Corporation of America, LabCorp
Classification: Uncertain significance. Last evaluated: 2025-11-13. Review status: criteria provided, single submitter. Criteria: LabCorp Variant Classification Summary - May 2015. Collection method: clinical testing. Allele origin: germline.
Comment: Variant summary: AIPL1 c.365G>A (p.Gly122Glu) results in a non-conservative amino acid change in the encoded protein sequence. Algorithms developed to predict the effect of missense changes on protein structure and function all suggest that this variant is likely to be disruptive. The variant was absent in 250732 control chromosomes. The available data on variant occurrences in the general population are insufficient to allow any conclusion about variant significance. To our knowledge, no occurrence of c.365G>A in individuals affected with AIPL1-related conditions and no experimental evidence demonstrating its impact on protein function have been reported. Two different variants affecting the same codon has been classified as likely pathogenic/pathogenic by our lab (c.364G>C, p.Gly122Arg) and by ClinVar (c.364G>A, p.Gly122Arg), supporting the critical relevance of codon 122 to AIPL1 protein function. No submitters have cited clinical-significance assessments for this variant to ClinVar. Based on the evidence outlined above, the variant was classified as uncertain significance.